The following is an entry in ClinVar:

ClinVar aggregate classification (germline): Uncertain significance (1 of 4 stars; one submission).

Conditions:
Epidermolysis bullosa simplex with nail dystrophy (EBS5D). Identifiers: MedGen C4225309, MONDO:0014661, OMIM 616487.
Epidermolysis bullosa simplex 5B, with muscular dystrophy (EBS5B). Also called: EPIDERMOLYSIS BULLOSA SIMPLEX AND LIMB-GIRDLE MUSCULAR DYSTROPHY; Epidermolysis bullosa simplex with muscular dystrophy. Identifiers: Orphanet 257, MedGen C2931072, MONDO:0009181, OMIM 226670.
Epidermolysis bullosa simplex, Ogna type (EBS5A). Also called: Pidermolysis bullosa simplex 5A, Ogna type; EPIDERMOLYSIS BULLOSA SIMPLEX 5A, OGNA TYPE. Identifiers: Orphanet 79401, MedGen C0432317, MONDO:0007555, OMIM 131950.
Epidermolysis bullosa simplex 5C, with pyloric atresia (EBS5C). Also called: PLEC-Related Epidermolysis Bullosa with Pyloric Atresia; Epidermolysis bullosa simplex with pyloric atresia; PLEC1-Related Epidermolysis Bullosa with Pyloric Atresia. Identifiers: Orphanet 158684, MedGen C2677349, MONDO:0012807, OMIM 612138.
Autosomal recessive limb-girdle muscular dystrophy type 2Q (LGMDR17). Also called: MUSCULAR DYSTROPHY, LIMB-GIRDLE, AUTOSOMAL RECESSIVE 17. Identifiers: Orphanet 254361, MedGen C3150989, MONDO:0013390, OMIM 613723.

Allele frequency attached by ClinVar (database versions not stated): gnomAD 0.00001; gnomAD exomes 0.00001; TOPMed 0.00001; ExAC 0.00002.
gnomAD v4.1: 19 of 1,586,178 alleles (0.0012%); highest among the groups gnomAD compares: Non-Finnish European, 0.0012%; no homozygotes.

Submission:

Labcorp Genetics (formerly Invitae), Labcorp
Classification: Uncertain significance for Autosomal recessive limb-girdle muscular dystrophy type 2Q; Epidermolysis bullosa simplex, Ogna type; Epidermolysis bullosa simplex with nail dystrophy; Epidermolysis bullosa simplex 5C, with pyloric atresia; Epidermolysis bullosa simplex 5B, with muscular dystrophy. Last evaluated: 2025-07-14. Review status: criteria provided, single submitter. Criteria: Invitae Variant Classification Sherloc (09022015). Collection method: clinical testing. Allele origin: germline.
Comment: This sequence change replaces arginine, which is basic and polar, with tryptophan, which is neutral and slightly polar, at codon 2372 of the PLEC protein (p.Arg2372Trp). The frequency data for this variant in the population databases is considered unreliable, as metrics indicate poor data quality at this position in the gnomAD database. This variant has not been reported in the literature in individuals affected with PLEC-related conditions. ClinVar contains an entry for this variant (Variation ID: 1027055). An algorithm developed to predict the effect of missense changes on protein structure and function (PolyPhen-2) suggests that this variant is likely to be tolerated. In summary, the available evidence is currently insufficient to determine the role of this variant in disease. Therefore, it has been classified as a Variant of Uncertain Significance.

NM_201384.3(PLEC):c.7033C>T (p.Arg2345Trp)

Gene: PLEC (plectin; minus strand). Cytogenetic location: 8q24.3.
Variant type: single nucleotide variant.
Coding change: c.7033C>T on transcript NM_201384.3 (MANE Select); coding-DNA position 7033, C replaced by T.
Protein change: p.Arg2345Trp; replaces arginine 2345 with tryptophan.
Molecular consequence: missense variant.
Genome position (GRCh38, 1-based): chr8:143,922,896, G>A on the plus strand (C>T on the coding strand, the complement: PLEC is on the minus strand). VCF-style: chr8-143922896-G-A. GRCh37 (hg19) VCF-style: chr8-144997064-G-A.
Other names: c.7114C>T, p.Arg2372Trp (NM_000445.5); c.6991C>T, p.Arg2331Trp (NM_201378.4); c.6967C>T, p.Arg2323Trp (NM_201379.3); c.7444C>T, p.Arg2482Trp (NM_201380.4); c.6937C>T, p.Arg2313Trp (NM_201381.3); c.7033C>T, p.Arg2345Trp (NM_201382.4); c.7045C>T, p.Arg2349Trp (NM_201383.3); short protein forms R2313W, R2323W, R2331W, R2345W, R2349W, R2372W, R2482W.
Identifiers: ClinVar variation 1027055 (VCV001027055.5), dbSNP rs782781897, ClinGen allele CA4925775.